The following is an entry in ClinVar:

ClinVar aggregate classification (germline): Likely pathogenic (1 of 4 stars; one submission).

Conditions:
Dilated cardiomyopathy 1G (CMD1G). Identifiers: Orphanet 154, MedGen C1858763, MONDO:0011400, OMIM 604145.
Autosomal recessive limb-girdle muscular dystrophy type 2J (LGMDR10). Also called: Limb-girdle muscular dystrophy, type 2J; MUSCULAR DYSTROPHY, LIMB-GIRDLE, AUTOSOMAL RECESSIVE 10. Identifiers: Orphanet 140922, MedGen C1837342, MONDO:0012127, OMIM 608807.

Submission:

Labcorp Genetics (formerly Invitae), Labcorp
Classification: Likely pathogenic for Dilated cardiomyopathy 1G; Autosomal recessive limb-girdle muscular dystrophy type 2J. Last evaluated: 2023-06-18. Review status: criteria provided, single submitter. Criteria: Invitae Variant Classification Sherloc (09022015). Collection method: clinical testing. Allele origin: germline.
Comment: This variant is not present in population databases (gnomAD no frequency). This sequence change creates a premature translational stop signal (p.Ser30038*) in the TTN gene. While this is not anticipated to result in nonsense mediated decay, it is expected to create a truncated TTN protein. This variant has not been reported in the literature in individuals affected with TTN-related conditions. This variant is located in the A band of TTN (PMID: 25589632). Truncating variants in this region are significantly overrepresented in patients affected with dilated cardiomyopathy (PMID: 25589632). Truncating variants in this region have also been reported in individuals affected with autosomal recessive centronuclear myopathy (PMID: 23975875). In summary, the currently available evidence indicates that the variant is pathogenic, but additional data are needed to prove that conclusively. Therefore, this variant has been classified as Likely Pathogenic.

Literature cited by the submitters: PubMed 25589632; PubMed 23975875.

NM_001267550.2(TTN):c.90113C>G (p.Ser30038Ter)

Genes: TTN (titin; minus strand), TTN-AS1 (TTN antisense RNA 1; plus strand). Cytogenetic location: 2q31.2.
Variant type: single nucleotide variant.
Coding change: c.90113C>G on transcript NM_001267550.2 (MANE Select); coding-DNA position 90113, C replaced by G.
Protein change: p.Ser30038Ter; replaces serine 30038 with a stop codon.
Molecular consequence: nonsense.
Genome position (GRCh38, 1-based): chr2:178,552,787, G>C on the plus strand (C>G on the coding strand, the complement: TTN is on the minus strand). VCF-style: chr2-178552787-G-C. GRCh37 (hg19) VCF-style: chr2-179417514-G-C.
Other names: c.85190C>G, p.Ser28397Ter (NM_001256850.1); c.62918C>G, p.Ser20973Ter (NM_003319.4); c.82409C>G, p.Ser27470Ter (NM_133378.4); c.63293C>G, p.Ser21098Ter (NM_133432.3); c.63494C>G, p.Ser21165Ter (NM_133437.4); short protein forms S20973*, S30038*, S21165*, S27470*, S21098*, S28397*.
Identifiers: ClinVar variation 2949004 (VCV002949004.3), dbSNP rs1035231480, ClinGen allele CA349513738.